The following is an entry in ClinVar:

ClinVar aggregate classification (germline): Uncertain significance (1 of 4 stars; one submission).

Conditions:
Saldino-Mainzer syndrome (SRTD9). Also called: Renal dysplasia, retinal pigmentary dystrophy, cerebellar ataxia and skeletal dysplasia; CONORENAL SYNDROME; SHORT-RIB THORACIC DYSPLASIA 9 WITHOUT POLYDACTYLY; short-rib thoracic dysplasia 9 with or without polydactyly. Identifiers: Orphanet 140969, MedGen C1849437, MONDO:0009964, OMIM 266920.

Submission:

Labcorp Genetics (formerly Invitae), Labcorp
Classification: Uncertain significance for Saldino-Mainzer syndrome. Last evaluated: 2023-10-03. Review status: criteria provided, single submitter. Criteria: Invitae Variant Classification Sherloc (09022015). Collection method: clinical testing. Allele origin: germline.
Comment: This sequence change replaces lysine, which is basic and polar, with arginine, which is basic and polar, at codon 196 of the IFT140 protein (p.Lys196Arg). This variant is not present in population databases (gnomAD no frequency). This variant has not been reported in the literature in individuals affected with IFT140-related conditions. ClinVar contains an entry for this variant (Variation ID: 1503905). Advanced modeling of protein sequence and biophysical properties (such as structural, functional, and spatial information, amino acid conservation, physicochemical variation, residue mobility, and thermodynamic stability) performed at Invitae indicates that this missense variant is not expected to disrupt IFT140 protein function. In summary, the available evidence is currently insufficient to determine the role of this variant in disease. Therefore, it has been classified as a Variant of Uncertain Significance.

NM_014714.4(IFT140):c.587A>G (p.Lys196Arg)

Genes: IFT140 (intraflagellar transport 140; minus strand), LOC105371046 (uncharacterized LOC105371046; plus strand). Cytogenetic location: 16p13.3.
Variant type: single nucleotide variant.
Coding change: c.587A>G on transcript NM_014714.4 (MANE Select); coding-DNA position 587, A replaced by G.
Protein change: p.Lys196Arg; replaces lysine 196 with arginine.
Molecular consequence: missense variant.
Genome position (GRCh38, 1-based): chr16:1,592,223, T>C on the plus strand (A>G on the coding strand, the complement: IFT140 is on the minus strand). VCF-style: chr16-1592223-T-C. GRCh37 (hg19) VCF-style: chr16-1642224-T-C.
Other names: short protein forms K196R.
Identifiers: ClinVar variation 1503905 (VCV001503905.8), dbSNP rs2141912122, ClinGen allele CA394220250.